The following is an entry in ClinVar:

ClinVar aggregate classification (germline): Uncertain significance (1 of 4 stars; one submission).

Allele frequency attached by ClinVar (database versions not stated): TOPMed below 0.00001; gnomAD 0.00001.
gnomAD v4.1: 2 of 1,613,224 alleles (0.00012%); highest among the groups gnomAD compares: Non-Finnish European, 0.00017%; no homozygotes.

Submission:

Labcorp Genetics (formerly Invitae), Labcorp
Classification: Uncertain significance. Last evaluated: 2021-10-08. Review status: criteria provided, single submitter. Criteria: Invitae Variant Classification Sherloc (09022015). Collection method: clinical testing. Allele origin: germline.
Comment: In summary, the available evidence is currently insufficient to determine the role of this variant in disease. Therefore, it has been classified as a Variant of Uncertain Significance. Algorithms developed to predict the effect of missense changes on protein structure and function are either unavailable or do not agree on the potential impact of this missense change (SIFT: "Not Available"; PolyPhen-2: "Benign"; Align-GVGD: "Not Available"). This variant has not been reported in the literature in individuals affected with SEC24D-related conditions. This variant is not present in population databases (ExAC no frequency). This sequence change replaces valine with isoleucine at codon 804 of the SEC24D protein (p.Val804Ile). The valine residue is weakly conserved and there is a small physicochemical difference between valine and isoleucine.

NM_014822.4(SEC24D):c.2410G>A (p.Val804Ile)

Gene: SEC24D (SEC24 homolog D, COPII coat complex component; minus strand). Cytogenetic location: 4q26.
Variant type: single nucleotide variant.
Coding change: c.2410G>A on transcript NM_014822.4 (MANE Select); coding-DNA position 2410, G replaced by A.
Protein change: p.Val804Ile; replaces valine 804 with isoleucine.
Molecular consequence: missense variant.
Genome position (GRCh38, 1-based): chr4:118,738,347, C>T on the plus strand (G>A on the coding strand, the complement: SEC24D is on the minus strand). VCF-style: chr4-118738347-C-T. GRCh37 (hg19) VCF-style: chr4-119659502-C-T.
Other names: c.2413G>A, p.Val805Ile (NM_001318066.2); short protein forms V805I, V804I.
Identifiers: ClinVar variation 1446749 (VCV001446749.4), dbSNP rs1216285184, ClinGen allele CA358006069.